The following is an entry in ClinVar:

NM_001003787.4(STRADA):c.1264G>A (p.Glu422Lys)

Gene: STRADA (STE20 related adaptor alpha; minus strand). Cytogenetic location: 17q23.3.
Variant type: single nucleotide variant.
Coding change: c.1264G>A on transcript NM_001003787.4 (MANE Select); coding-DNA position 1264, G replaced by A.
Protein change: p.Glu422Lys; replaces glutamic acid 422 with lysine.
Molecular consequence: missense variant. On other transcripts: 3 prime UTR variant (7), non-coding transcript variant (1).
Genome position (GRCh38, 1-based): chr17:63,703,631, C>T on the plus strand (G>A on the coding strand, the complement: STRADA is on the minus strand). VCF-style: chr17-63703631-C-T. GRCh37 (hg19) VCF-style: chr17-61780991-C-T.
Other names: c.1153G>A, p.Glu385Lys (NM_001003786.3); c.1090G>A, p.Glu364Lys (NM_001003788.3); c.*141G>A (NM_001165969.2, NM_001165970.2, NM_001363788.1 and 2 more transcripts); c.1240G>A, p.Glu414Lys (NM_001363786.1); c.1177G>A, p.Glu393Lys (NM_001363787.1); c.*53G>A (NM_001363790.1); c.*652G>A (NM_153335.6); short protein forms E414K, E364K, E385K, E393K, E422K.
Identifiers: ClinVar variation 942197 (VCV000942197.8), dbSNP rs568606349, ClinGen allele CA8703055.

ClinVar aggregate classification (germline): Uncertain significance. Review status: criteria provided, multiple submitters, no conflicts (2 of 4 stars). 2 submissions from 2 submitters: Uncertain significance (2). Last evaluated 2023-10-10.

Conditions:
Inborn genetic diseases. Identifiers: MedGen C0950123, MeSH D030342.
Polyhydramnios, megalencephaly, and symptomatic epilepsy (PMSE). Also called: PMSE SYNDROME. Identifiers: Orphanet 500533, MedGen C1970203, MONDO:0012611, OMIM 611087.

Allele frequency attached by ClinVar (database versions not stated): gnomAD 0.00001 and 0.00002; gnomAD exomes 0.00002 and 0.00005; TOPMed 0.00002; ExAC 0.00004; 1000 Genomes Project 30x 0.00016; 1000 Genomes Project 0.00020.
gnomAD v4.1: 38 of 1,614,184 alleles (0.0024%); highest among the groups gnomAD compares: East Asian, 0.071%; no homozygotes.

Submissions (2):

Ambry Genetics
Classification: Uncertain significance for Inborn genetic diseases. Last evaluated: 2023-10-10. Review status: criteria provided, single submitter. Criteria: Ambry Variant Classification Scheme 2023. Collection method: clinical testing. Allele origin: germline.

Labcorp Genetics (formerly Invitae), Labcorp
Classification: Uncertain significance for Polyhydramnios, megalencephaly, and symptomatic epilepsy. Last evaluated: 2021-08-31. Review status: criteria provided, single submitter. Criteria: Invitae Variant Classification Sherloc (09022015). Collection method: clinical testing. Allele origin: germline.
Comment: This sequence change replaces glutamic acid with lysine at codon 422 of the STRADA protein (p.Glu422Lys). The glutamic acid residue is moderately conserved and there is a small physicochemical difference between glutamic acid and lysine. This variant is present in population databases (rs568606349, ExAC 0.04%). This variant has not been reported in the literature in individuals affected with STRADA-related conditions. Algorithms developed to predict the effect of missense changes on protein structure and function (SIFT, PolyPhen-2, Align-GVGD) all suggest that this variant is likely to be tolerated. In summary, the available evidence is currently insufficient to determine the role of this variant in disease. Therefore, it has been classified as a Variant of Uncertain Significance.